The following is an entry in ClinVar:

NM_015473.4(HEATR5A):c.5026G>A (p.Gly1676Arg)

Gene: HEATR5A (HEAT repeat containing 5A; minus strand). Cytogenetic location: 14q12.
Variant type: single nucleotide variant.
Coding change: c.5026G>A on transcript NM_015473.4 (MANE Select); coding-DNA position 5026, G replaced by A.
Protein change: p.Gly1676Arg; replaces glycine 1676 with arginine.
Molecular consequence: missense variant.
Genome position (GRCh38, 1-based): chr14:31,305,118, C>T on the plus strand (G>A on the coding strand, the complement: HEATR5A is on the minus strand). VCF-style: chr14-31305118-C-T. GRCh37 (hg19) VCF-style: chr14-31774324-C-T.
Other names: short protein forms G1676R.
Identifiers: ClinVar variation 2644156 (VCV002644156.24), dbSNP rs61754158, ClinGen allele CA7146233.
Genomic context (GRCh38, chr14:31,305,118, plus strand): 5'-GAATGCATACACACAATTCCAGTGTTGCAAAGACCAAAGACTTTCCAGGCACAAGTCCTC[C>T]GGTGTCCTTTCCCTCTCCAAACTCTGGCAGAGTTTCCTTTTCAGCAGCCCCATCATCAAC-3'
Protein context (NP_056288.2, residues 1666-1686): LPEFGEGKDT[Gly1676Arg]GLVPGKSLVF

ClinVar aggregate classification (germline): Likely benign (1 of 4 stars; one submission).

Allele frequency attached by ClinVar (database versions not stated): 1000 Genomes Project 0.00240; 1000 Genomes Project 30x 0.00265; ExAC 0.00393; gnomAD 0.00456; TOPMed 0.00462; ESP Exome Variant Server 0.00548.
gnomAD v4.1: 11,074 of 1,613,968 alleles (0.69%); highest among the groups gnomAD compares: Non-Finnish European, 0.84%; 51 homozygotes.

Submission:

CeGaT Center for Human Genetics Tuebingen
Classification: Likely benign. Last evaluated: 2023-04-01. Review status: criteria provided, single submitter. Criteria: CeGaT Center For Human Genetics Tuebingen Variant Classification Criteria Version 2. Collection method: clinical testing. Allele origin: germline. Affected: yes. Observed: 1 variant allele.
Comment: HEATR5A: BS2